The following is an entry in ClinVar:

NC_000004.12:g.1395459T>C

Genes: CRIPAK (cysteine rich PAK1 inhibitor; plus strand), UVSSA (UV stimulated scaffold protein A; plus strand), LOC126806945 (P300/CBP strongly-dependent group 1 enhancer GRCh37_chr4:1388225-1389424; plus strand). Cytogenetic location: 4p16.3.
Variant type: single nucleotide variant.
Genome position: GRCh38 VCF-style: chr4-1395459-T-C. GRCh37 (hg19) VCF-style: chr4-1389247-T-C.
Identifiers: ClinVar variation 4280804 (VCV004280804.7).
Genomic context (GRCh38, chr4:1,395,459, plus strand): 5'-TGTGGAGTGCCCGCCTGCTCACACGTGCCGACGTGGAGTGCCCGCCTGCTCACGTGCCCA[T>C]ATGGAGTGCCCGCCTGCTCACACGTGCCATTGTGGAGTGCCCGCCTGCTCACACACATGC-3'

ClinVar aggregate classification (germline): Likely benign (1 of 4 stars; one submission).

Submission:

CeGaT Center for Human Genetics Tuebingen
Classification: Likely benign. Last evaluated: 2025-09-01. Review status: criteria provided, single submitter. Criteria: CeGaT Center For Human Genetics Tuebingen Variant Classification Criteria Version 2. Collection method: clinical testing. Allele origin: germline. Affected: yes. Observed: 1 variant allele.
Comment: CRIPAK: BP4, BP7